The following is an entry in ClinVar:

NM_017934.7(PHIP):c.2568A>C (p.Thr856=)

Gene: PHIP (PHIP subunit of CUL4-Ring ligase complex; minus strand). Cytogenetic location: 6q14.1.
Variant type: single nucleotide variant.
Coding change: c.2568A>C on transcript NM_017934.7 (MANE Select); coding-DNA position 2568, A replaced by C.
Protein change: p.Thr856=; no amino-acid change (threonine 856 retained).
Molecular consequence: synonymous variant.
Genome position (GRCh38, 1-based): chr6:78,983,087, T>G on the plus strand (A>C on the coding strand, the complement: PHIP is on the minus strand). VCF-style: chr6-78983087-T-G. GRCh37 (hg19) VCF-style: chr6-79692804-T-G.
Identifiers: ClinVar variation 3349071 (VCV003349071.1).

ClinVar aggregate classification (germline): Likely benign (0 of 4 stars; one submission).

Conditions:
PHIP-related disorder. Also called: PHIP-related condition; PHIP-related disorders.

Submission:

PreventionGenetics, part of Exact Sciences
Classification: Likely benign for PHIP-related condition. Last evaluated: 2023-09-20. Review status: no assertion criteria provided. Collection method: clinical testing. Allele origin: germline.
Comment: This variant is classified as likely benign based on ACMG/AMP sequence variant interpretation guidelines (Richards et al. 2015 PMID: 25741868, with internal and published modifications).